The following is an entry in ClinVar:

NM_021728.4(OTX2):c.236T>A (p.Val79Glu)

Gene: OTX2 (orthodenticle homeobox 2; minus strand). Cytogenetic location: 14q22.3.
Variant type: single nucleotide variant.
Coding change: c.236T>A on transcript NM_021728.4 (MANE Select); coding-DNA position 236, T replaced by A.
Protein change: p.Val79Glu; replaces valine 79 with glutamic acid.
Molecular consequence: missense variant.
Genome position (GRCh38, 1-based): chr14:56,804,225, A>T on the plus strand (T>A on the coding strand, the complement: OTX2 is on the minus strand). VCF-style: chr14-56804225-A-T. GRCh37 (hg19) VCF-style: chr14-57270943-A-T.
Other names: c.212T>A, p.Val71Glu (NM_001270523.2, NM_001270524.2, NM_172337.3); c.236T>A, p.Val79Glu (NM_001270525.2); short protein forms V71E, V79E.
Identifiers: ClinVar variation 1710645 (VCV001710645.2), dbSNP rs2503907295, ClinGen allele CA390052316.

ClinVar aggregate classification (germline): Uncertain significance (1 of 4 stars; one submission).

Submission:

GeneDx
Classification: Uncertain significance. Last evaluated: 2022-04-12. Review status: criteria provided, single submitter. Criteria: GeneDx Variant Classification Process June 2021. Collection method: clinical testing. Allele origin: germline. Affected: yes.
Comment: Not observed at significant frequency in large population cohorts (gnomAD); In silico analysis supports that this missense variant has a deleterious effect on protein structure/function; Has not been previously published as pathogenic or benign to our knowledge